The following is an entry in ClinVar:

ClinVar aggregate classification (germline): Pathogenic (1 of 4 stars; one submission).

Submission:

Labcorp Genetics (formerly Invitae), Labcorp
Classification: Pathogenic. Last evaluated: 2023-02-25. Review status: criteria provided, single submitter. Criteria: Invitae Variant Classification Sherloc (09022015). Collection method: clinical testing. Allele origin: germline.
Comment: This sequence change creates a premature translational stop signal (p.Gln43Argfs*28) in the GORAB gene. It is expected to result in an absent or disrupted protein product. Loss-of-function variants in GORAB are known to be pathogenic (PMID: 18997784, 19681135). This variant is not present in population databases (gnomAD no frequency). This variant has not been reported in the literature in individuals affected with GORAB-related conditions. For these reasons, this variant has been classified as Pathogenic.

Literature cited by the submitters: PubMed 18997784; PubMed 19681135.

NM_152281.3(GORAB):c.53del (p.Gln18fs)

Genes: GORAB (golgin, RAB6 interacting; plus strand), GORAB-AS1 (GORAB antisense RNA 1; minus strand). Cytogenetic location: 1q24.2.
Variant type: Deletion.
Coding change: c.53del on transcript NM_152281.3 (MANE Select); coding-DNA position 53, one base deleted (A; older notation c.53delA).
Protein change: p.Gln18fs; shifts the reading frame from glutamine 18.
Molecular consequence: frameshift variant. On other transcripts: 5 prime UTR variant (1), non-coding transcript variant (1), intron variant (1).
Genome position (GRCh38, 1-based): chr1:170,532,276, A deleted. VCF-style (leftmost placement, unchanged base first): chr1-170532275-CA-C. GRCh37 (hg19) VCF-style: chr1-170501416-CA-C.
Other names: c.53del, p.Gln18fs (NM_001146039.2); c.-713del (NM_001320252.2); c.10+43del (NM_001410894.1); short protein forms Q18fs.
Identifiers: ClinVar variation 2840751 (VCV002840751.3), dbSNP rs2525904182, ClinGen allele CA2739275383.